The following is an entry in ClinVar:

NM_001365536.1(SCN9A):c.3110A>T (p.Tyr1037Phe)

Genes: SCN1A-AS1 (SCN1A and SCN9A antisense RNA 1; plus strand), SCN9A (sodium voltage-gated channel alpha subunit 9; minus strand). Cytogenetic location: 2q24.3.
Variant type: single nucleotide variant.
Coding change: c.3110A>T on transcript NM_001365536.1 (MANE Select); coding-DNA position 3110, A replaced by T.
Protein change: p.Tyr1037Phe; replaces tyrosine 1037 with phenylalanine.
Molecular consequence: missense variant.
Genome position (GRCh38, 1-based): chr2:166,272,640, T>A on the plus strand (A>T on the coding strand, the complement: SCN9A is on the minus strand). VCF-style: chr2-166272640-T-A. GRCh37 (hg19) VCF-style: chr2-167129150-T-A.
Other names: c.3077A>T, p.Tyr1026Phe (NM_002977.4); short protein forms Y1026F, Y1037F.
Identifiers: ClinVar variation 2940948 (VCV002940948.3), dbSNP rs1035832337, ClinGen allele CA349073836.
Genomic context (GRCh38, chr2:166,272,640, plus strand): 5'-TCTTTTTCCTTGAGGAAATTGTGACCTTTGCTCATTTCAGCAAGTGTATGGTTAGAAATA[T>A]AGTTTTCCTTCTTAGTATTCAGATCTTCTGCTTGTCTTATCTCCCTGGAAATCTTTGGCT-3'
Protein context (NP_001352465.1, residues 1027-1047): AEDLNTKKEN[Tyr1037Phe]ISNHTLAEMS

ClinVar aggregate classification (germline): Uncertain significance (1 of 4 stars; one submission).

Conditions:
Neuropathy, hereditary sensory and autonomic, type 2A (HSAN2A). Also called: ACROOSTEOLYSIS, GIACCAI TYPE; ACROOSTEOLYSIS, NEUROGENIC; MORVAN DISEASE; NEUROPATHY, CONGENITAL SENSORY; NEUROPATHY, HEREDITARY SENSORY RADICULAR, AUTOSOMAL RECESSIVE; NEUROPATHY, HEREDITARY SENSORY, TYPE IIA. Identifiers: Orphanet 970, MedGen C2752089, MONDO:0024309, OMIM 201300.
Generalized epilepsy with febrile seizures plus, type 7 (GEFSP7). Also called: GEFS+, TYPE 7. Identifiers: Orphanet 36387, MedGen C2751778, MONDO:0013470, OMIM 613863.

Submission:

Labcorp Genetics (formerly Invitae), Labcorp
Classification: Uncertain significance for Neuropathy, hereditary sensory and autonomic, type 2A; Generalized epilepsy with febrile seizures plus, type 7. Last evaluated: 2022-10-27. Review status: criteria provided, single submitter. Criteria: Invitae Variant Classification Sherloc (09022015). Collection method: clinical testing. Allele origin: germline.
Comment: In summary, the available evidence is currently insufficient to determine the role of this variant in disease. Therefore, it has been classified as a Variant of Uncertain Significance. Advanced modeling of protein sequence and biophysical properties (such as structural, functional, and spatial information, amino acid conservation, physicochemical variation, residue mobility, and thermodynamic stability) performed at Invitae indicates that this missense variant is not expected to disrupt SCN9A protein function. This variant has not been reported in the literature in individuals affected with SCN9A-related conditions. This variant is not present in population databases (gnomAD no frequency). This sequence change replaces tyrosine, which is neutral and polar, with phenylalanine, which is neutral and non-polar, at codon 1026 of the SCN9A protein (p.Tyr1026Phe).